The following is an entry in ClinVar:

NM_002449.5(MSX2):c.613C>G (p.Leu205Val)

Gene: MSX2 (msh homeobox 2; plus strand). Cytogenetic location: 5q35.2.
Variant type: single nucleotide variant.
Coding change: c.613C>G on transcript NM_002449.5 (MANE Select); coding-DNA position 613, C replaced by G.
Protein change: p.Leu205Val; replaces leucine 205 with valine.
Molecular consequence: missense variant. On other transcripts: 3 prime UTR variant (1).
Genome position (GRCh38, 1-based): chr5:174,729,392, C>G. VCF-style: chr5-174729392-C-G. GRCh37 (hg19) VCF-style: chr5-174156395-C-G.
Other names: c.*237C>G (NM_001363626.2); short protein forms L205V.
Identifiers: ClinVar variation 2908873 (VCV002908873.3), dbSNP rs111542301, ClinGen allele CA362230259.

ClinVar aggregate classification (germline): Uncertain significance (1 of 4 stars; one submission).

Conditions:
Cranium bifidum occultum. Also called: Enlarged Parietal Foramina; CATLIN MARKS; CRANIUM BIFIDUM, HEREDITARY. Identifiers: MedGen C1868598, HP:0004423.

gnomAD v4.1: 1 of 1,614,208 alleles (0.000062%); highest among the groups gnomAD compares: East Asian, 0.0022%; no homozygotes.

Submission:

Labcorp Genetics (formerly Invitae), Labcorp
Classification: Uncertain significance for Cranium bifidum occultum. Last evaluated: 2023-06-21. Review status: criteria provided, single submitter. Criteria: Invitae Variant Classification Sherloc (09022015). Collection method: clinical testing. Allele origin: germline.
Comment: Advanced modeling of protein sequence and biophysical properties (such as structural, functional, and spatial information, amino acid conservation, physicochemical variation, residue mobility, and thermodynamic stability) performed at Invitae indicates that this missense variant is not expected to disrupt MSX2 protein function. This sequence change replaces leucine, which is neutral and non-polar, with valine, which is neutral and non-polar, at codon 205 of the MSX2 protein (p.Leu205Val). This variant is present in population databases (no rsID available, gnomAD 0.006%). This variant has not been reported in the literature in individuals affected with MSX2-related conditions. In summary, the available evidence is currently insufficient to determine the role of this variant in disease. Therefore, it has been classified as a Variant of Uncertain Significance.